The following is an entry in ClinVar:

ClinVar aggregate classification (germline): Uncertain significance (1 of 4 stars; one submission).

Submission:

GeneDx
Classification: Uncertain significance. Last evaluated: 2025-01-23. Review status: criteria provided, single submitter. Criteria: GeneDx Variant Classification Process June 2021. Collection method: clinical testing. Allele origin: germline. Affected: yes.
Comment: Not observed at significant frequency in large population cohorts (gnomAD); In silico analysis indicates that this missense variant does not alter protein structure/function; Has not been previously published as pathogenic or benign to our knowledge

NM_014008.5(CCDC22):c.146T>C (p.Val49Ala)

Gene: CCDC22 (CCC complex scaffolding subunit CCDC22; plus strand). Cytogenetic location: Xp11.23.
Variant type: single nucleotide variant.
Coding change: c.146T>C on transcript NM_014008.5 (MANE Select); coding-DNA position 146, T replaced by C.
Protein change: p.Val49Ala; replaces valine 49 with alanine.
Molecular consequence: missense variant.
Genome position (GRCh38, 1-based): chrX:49,237,181, T>C. VCF-style: chrX-49237181-T-C. GRCh37 (hg19) VCF-style: chrX-49093648-T-C.
Other names: short protein forms V49A.
Identifiers: ClinVar variation 4071690 (VCV004071690.1).